The following is an entry in ClinVar:

ClinVar aggregate classification (germline): Benign/Likely benign. Review status: criteria provided, multiple submitters, no conflicts (2 of 4 stars). 11 submissions from 10 submitters: Benign (6); Likely benign (2). 3 of the submissions do not count toward it. Last evaluated 2026-02-03.

Conditions:
Ataxia-telangiectasia-like disorder (ATLD). Identifiers: MedGen C1858391, MONDO:0011457.
Hereditary cancer-predisposing syndrome. Also called: Tumor predisposition; Neoplastic Syndromes, Hereditary; Hereditary neoplastic syndrome; Hereditary Cancer Syndrome. Identifiers: Orphanet 140162, MedGen C0027672, MeSH D009386, MONDO:0015356.
Ataxia-telangiectasia-like disorder 1 (ATLD1). Identifiers: Orphanet 251347, MedGen C4012790, MONDO:0024557, OMIM 604391.

Submissions (11):

Labcorp Genetics (formerly Invitae), Labcorp
Classification: Benign for Ataxia-telangiectasia-like disorder. Last evaluated: 2026-02-03. Review status: criteria provided, single submitter. Criteria: Invitae Variant Classification Sherloc (09022015). Collection method: clinical testing. Allele origin: germline.

Blueprint Genetics
Classification: Likely benign. Last evaluated: 2024-11-27. Review status: criteria provided, single submitter. Criteria: ACMG Guidelines, 2015. Collection method: clinical testing. Allele origin: germline.

Athena Diagnostics
Classification: Benign. Last evaluated: 2023-11-16. Review status: criteria provided, single submitter. Criteria: Athena Diagnostics Criteria. Collection method: clinical testing. Allele origin: unknown.

Mayo Clinic Laboratories, Mayo Clinic
Classification: Benign. Last evaluated: 2023-02-01. Review status: criteria provided, single submitter. Criteria: ACMG Guidelines, 2015. Collection method: clinical testing. Allele origin: germline. Observed: 34 variant alleles.
Comment: BA1, BP4, BP7

Sema4
Classification: Benign for Hereditary cancer-predisposing syndrome. Last evaluated: 2020-03-03. Review status: criteria provided, single submitter. Criteria: Sema4 Curation Guidelines. Collection method: curation. Allele origin: germline.

Labcorp Genetics (formerly Invitae), Labcorp
Classification: Benign for Hereditary cancer-predisposing syndrome. Last evaluated: 2017-01-26. Review status: criteria provided, single submitter. Criteria: Invitae Variant Classification Sherloc (09022015). Collection method: clinical testing. Allele origin: germline.

Women's Health and Genetics/Laboratory Corporation of America, LabCorp
Classification: Benign. Last evaluated: 2016-05-06. Review status: criteria provided, single submitter. Criteria: LabCorp Variant Classification Summary - May 2015. Collection method: clinical testing. Allele origin: germline.
Comment: Variant summary: The c.315-4dupT variant affects a non-conserved intronic nucleotide. MutationTaster predicts benign outcome for this variant. 5/5 splice-tools in Alamut predict that this variant does not affect normal splicing. This variant is found in 6069/84106 control chromosomes (including 57 homozygotes) from ExAC at a frequency of 0.0721589, which is about 1155 times greater than the maximal expected frequency of a pathogenic allele (0.0000625) in this gene, suggesting this variant is benign. In addition, two clinical laboratory/reputable database have classified this variant as benign/likely benign. Taken together, this variant has been classified as Benign.

Ambry Genetics
Classification: Likely benign for Hereditary cancer-predisposing syndrome. Last evaluated: 2013-06-06. Review status: criteria provided, single submitter. Criteria: Ambry Autosomal Dominant and X-Linked criteria (10/2015). Collection method: clinical testing. Allele origin: germline. Observed: 1 variant allele.

Counsyl
Classification: Benign for Ataxia-telangiectasia-like disorder 1. Last evaluated: 2016-06-08. Review status: no assertion criteria provided. Collection method: clinical testing. Allele origin: unknown. Not counted in ClinVar's aggregate classification.

Clinical Genetics DNA and cytogenetics Diagnostics Lab, Erasmus MC, Erasmus Medical Center
Classification: Benign. Review status: no assertion criteria provided. Collection method: clinical testing. Allele origin: germline. Affected: yes. Study: VKGL Data-share Consensus. Not counted in ClinVar's aggregate classification.

Genome Diagnostics Laboratory, University Medical Center Utrecht
Classification: Likely benign. Review status: no assertion criteria provided. Collection method: clinical testing. Allele origin: germline. Affected: yes. Study: VKGL Data-share Consensus. Not counted in ClinVar's aggregate classification.

NM_005591.4(MRE11):c.315-14dup

Gene: MRE11 (MRE11 double strand break repair nuclease; minus strand). Cytogenetic location: 11q21.
Variant type: Duplication.
Coding change: c.315-14dup on transcript NM_005591.4 (MANE Select); 14 bases into the intron before coding-DNA position 315, one base duplicated (T; older notation c.315-14dupT).
Molecular consequence: intron variant.
Genome position (GRCh38, 1-based): chr11:94,479,765, A duplicated on the plus strand (T on the coding strand, the reverse complement: MRE11 is on the minus strand); the first of 11 consecutive A bases (chr11:94,479,765-94,479,775); duplicating any one gives the same sequence. VCF-style (leftmost placement, unchanged base first): chr11-94479764-T-TA. GRCh37 (hg19) VCF-style: chr11-94212930-T-TA.
Other names: p.?; c.315-14dup (NM_001330347.2, NM_005590.4); c.315-4dupT (NM_005591.3).
Identifiers: ClinVar variation 183762 (VCV000183762.23), dbSNP rs35062043, ClinGen allele CA333820.
Genomic context (GRCh38, chr11:94,479,764, plus strand): 5'-ACTAAACACTGGAATTGAAATGTTGAGGTTGCCATCTTGATAGTTCACCCATGGAAACCT[T>TA]AAAAAAAAAAAGTTACTTAAAATTTCCATACGGGACAAAAGCTGTTTTCCCTAAGATTCT-3'